The following is an entry in ClinVar:

NM_000260.4(MYO7A):c.4253C>G (p.Pro1418Arg)

Gene: MYO7A (myosin VIIA; plus strand). Cytogenetic location: 11q13.5.
Variant type: single nucleotide variant.
Coding change: c.4253C>G on transcript NM_000260.4 (MANE Select); coding-DNA position 4253, C replaced by G.
Protein change: p.Pro1418Arg; replaces proline 1418 with arginine.
Molecular consequence: missense variant.
Genome position (GRCh38, 1-based): chr11:77,194,454, C>G. VCF-style: chr11-77194454-C-G. GRCh37 (hg19) VCF-style: chr11-76905499-C-G.
Other names: c.4253C>G, p.Pro1418Arg (NM_001127180.2); c.4220C>G, p.Pro1407Arg (NM_001369365.1); short protein forms P1407R, P1418R.
Identifiers: ClinVar variation 2006696 (VCV002006696.4), dbSNP rs1956489145, ClinGen allele CA381949278.

ClinVar aggregate classification (germline): Uncertain significance (1 of 4 stars; one submission).

Submission:

Labcorp Genetics (formerly Invitae), Labcorp
Classification: Uncertain significance. Last evaluated: 2022-09-19. Review status: criteria provided, single submitter. Criteria: Invitae Variant Classification Sherloc (09022015). Collection method: clinical testing. Allele origin: germline.
Comment: This variant has not been reported in the literature in individuals affected with MYO7A-related conditions. In summary, the available evidence is currently insufficient to determine the role of this variant in disease. Therefore, it has been classified as a Variant of Uncertain Significance. Advanced modeling of protein sequence and biophysical properties (such as structural, functional, and spatial information, amino acid conservation, physicochemical variation, residue mobility, and thermodynamic stability) performed at Invitae indicates that this missense variant is expected to disrupt MYO7A protein function. This variant is not present in population databases (gnomAD no frequency). This sequence change replaces proline, which is neutral and non-polar, with arginine, which is basic and polar, at codon 1418 of the MYO7A protein (p.Pro1418Arg).